The following is an entry in ClinVar:

NM_000135.4(FANCA):c.394A>T (p.Ser132Cys)

Gene: FANCA (FA complementation group A; minus strand). Cytogenetic location: 16q24.3.
Variant type: single nucleotide variant.
Coding change: c.394A>T on transcript NM_000135.4 (MANE Select); coding-DNA position 394, A replaced by T.
Protein change: p.Ser132Cys; replaces serine 132 with cysteine.
Molecular consequence: missense variant.
Genome position (GRCh38, 1-based): chr16:89,810,961, T>A on the plus strand (A>T on the coding strand, the complement: FANCA is on the minus strand). VCF-style: chr16-89810961-T-A. GRCh37 (hg19) VCF-style: chr16-89877369-T-A.
Other names: c.394A>T, p.Ser132Cys (NM_001018112.3, NM_001286167.3, NM_001351830.2); short protein forms S132C.
Identifiers: ClinVar variation 2047340 (VCV002047340.3), dbSNP rs371449661, ClinGen allele CA286608227.
Genomic context (GRCh38, chr16:89,810,961, plus strand): 5'-GGTTTCCTCATCTTTGCTGGTGTCTTACTCTCTGCTCCACAGTCAGCAGCACAGGGTGAC[T>A]GGTCTCCGCTGGAGCCGTGCAGATCTGTCCCACGCTAGAGGCAACCATCCCGGCTGAGAG-3'
Protein context (NP_000126.2, residues 122-142): GQICTAPAET[Ser132Cys]HPVLLTVEQR

ClinVar aggregate classification (germline): Uncertain significance. Review status: criteria provided, multiple submitters, no conflicts (2 of 4 stars). 2 submissions from 2 submitters: Uncertain significance (2). Last evaluated 2026-05-30.

Conditions:
Inborn genetic diseases. Identifiers: MedGen C0950123, MeSH D030342.
Fanconi anemia (FA). Also called: Fanconi's anemia. Identifiers: Orphanet 84, MedGen C0015625, MeSH D005199, MONDO:0019391.

Allele frequency attached by ClinVar (database versions not stated): gnomAD 0.00002; TOPMed 0.00001; ESP Exome Variant Server 0.00008.
gnomAD v4.1: 3 of 1,614,022 alleles (0.00019%); highest among the groups gnomAD compares: African/African-American, 0.004%; no homozygotes.

Submissions (2):

Ambry Genetics
Classification: Uncertain significance for Inborn genetic diseases. Last evaluated: 2026-05-30. Review status: criteria provided, single submitter. Criteria: Ambry Variant Classification Scheme 2023. Collection method: clinical testing. Allele origin: germline.
Comment: The p.S132C variant (also known as c.394A>T), located in coding exon 4 of the FANCA gene, results from an A to T substitution at nucleotide position 394. The serine at codon 132 is replaced by cysteine, an amino acid with dissimilar properties. This amino acid position is conserved. In addition, this alteration is predicted to be tolerated by in silico analysis. Based on the available evidence, the clinical significance of this variant remains unclear.

Labcorp Genetics (formerly Invitae), Labcorp
Classification: Uncertain significance for Fanconi anemia. Last evaluated: 2022-10-17. Review status: criteria provided, single submitter. Criteria: Invitae Variant Classification Sherloc (09022015). Collection method: clinical testing. Allele origin: germline.
Comment: This sequence change replaces serine, which is neutral and polar, with cysteine, which is neutral and slightly polar, at codon 132 of the FANCA protein (p.Ser132Cys). This variant is not present in population databases (gnomAD no frequency). This variant has not been reported in the literature in individuals affected with FANCA-related conditions. Advanced modeling of protein sequence and biophysical properties (such as structural, functional, and spatial information, amino acid conservation, physicochemical variation, residue mobility, and thermodynamic stability) has been performed at Invitae for this missense variant, however the output from this modeling did not meet the statistical confidence thresholds required to predict the impact of this variant on FANCA protein function. In summary, the available evidence is currently insufficient to determine the role of this variant in disease. Therefore, it has been classified as a Variant of Uncertain Significance.